The following is an entry in ClinVar:

NM_000038.6(APC):c.3162C>G (p.His1054Gln)

Gene: APC (APC regulator of Wnt signaling pathway; plus strand). Cytogenetic location: 5q22.2.
Variant type: single nucleotide variant.
Coding change: c.3162C>G on transcript NM_000038.6 (MANE Select); coding-DNA position 3162, C replaced by G.
Protein change: p.His1054Gln; replaces histidine 1054 with glutamine.
Molecular consequence: missense variant.
Genome position (GRCh38, 1-based): chr5:112,838,756, C>G. VCF-style: chr5-112838756-C-G. GRCh37 (hg19) VCF-style: chr5-112174453-C-G.
Other names: c.3162C>G, p.His1054Gln (NM_001127510.3, NM_001354895.2); c.3108C>G, p.His1036Gln (NM_001127511.3); c.3216C>G, p.His1072Gln (NM_001354896.2); c.3192C>G, p.His1064Gln (NM_001354897.2); c.3087C>G, p.His1029Gln (NM_001354898.2); c.3078C>G, p.His1026Gln (NM_001354899.2); c.3039C>G, p.His1013Gln (NM_001354900.2); c.2985C>G, p.His995Gln (NM_001354901.2); and 5 more; short protein forms H1013Q, H1026Q, H1029Q, H1036Q, H1054Q, H1064Q, H1072Q, H771Q.
Identifiers: ClinVar variation 1171782 (VCV001171782.3), dbSNP rs1554084767, ClinGen allele CA16028263.

ClinVar aggregate classification (germline): Uncertain significance (1 of 4 stars; one submission).

Conditions:
Hereditary cancer-predisposing syndrome. Also called: Tumor predisposition; Hereditary neoplastic syndrome; Hereditary Cancer Syndrome; Neoplastic Syndromes, Hereditary. Identifiers: Orphanet 140162, MedGen C0027672, MeSH D009386, MONDO:0015356.

Submission:

Color Diagnostics, LLC DBA Color Health
Classification: Uncertain significance for Hereditary cancer-predisposing syndrome. Last evaluated: 2024-03-07. Review status: criteria provided, single submitter. Criteria: ACMG Guidelines, 2015. Collection method: clinical testing. Allele origin: germline.
Comment: This missense variant replaces histidine with glutamine at codon 1054 of the APC protein. Computational prediction suggests that this variant may not impact protein structure and function (internally defined REVEL score threshold <= 0.5, PMID: 27666373). To our knowledge, functional studies have not been reported for this variant. This variant has not been reported in individuals affected with hereditary cancer in the literature. This variant has not been identified in the general population by the Genome Aggregation Database (gnomAD). The available evidence is insufficient to determine the role of this variant in disease conclusively. Therefore, this variant is classified as a Variant of Uncertain Significance.